The following is an entry in ClinVar:

ClinVar aggregate classification (germline): Uncertain significance (1 of 4 stars; one submission).

Submission:

GeneDx
Classification: Uncertain significance. Last evaluated: 2017-05-26. Review status: criteria provided, single submitter. Criteria: GeneDx Variant Classification (06012015). Collection method: clinical testing. Allele origin: germline. Affected: yes.
Comment: The C995Y variant in the LAMC1 gene has not been reported previously as a pathogenic variant, nor as a benign variant, to our knowledge. The C995Y variant is not observed in large population cohorts (Lek et al., 2016; 1000 Genomes Consortium et al., 2015; Exome Variant Server). The C995Y variant is a non-conservative amino acid substitution, which is likely to impact secondary protein structure as these residues differ in polarity, charge, size and/or other properties. This substitution occurs at a position that is conserved across species. In silico analysis predicts this variant is probably damaging to the protein structure/function. We interpret C995Y as a variant of uncertain significance.

NM_002293.4(LAMC1):c.2984G>A (p.Cys995Tyr)

Gene: LAMC1 (laminin subunit gamma 1; plus strand). Cytogenetic location: 1q25.3.
Variant type: single nucleotide variant.
Coding change: c.2984G>A on transcript NM_002293.4 (MANE Select); coding-DNA position 2984, G replaced by A.
Protein change: p.Cys995Tyr; replaces cysteine 995 with tyrosine.
Molecular consequence: missense variant.
Genome position (GRCh38, 1-based): chr1:183,127,265, G>A. VCF-style: chr1-183127265-G-A. GRCh37 (hg19) VCF-style: chr1-183096400-G-A.
Other names: short protein forms C995Y.
Identifiers: ClinVar variation 432283 (VCV000432283.2), dbSNP rs1553257966, ClinGen allele CA343674571.
Genomic context (GRCh38, chr1:183,127,265, plus strand): 5'-TATTTTCTCCTTATTCTGCAGCCTGTGACTGTCATCCTGAGGGATCTCTTTCACTTCAGT[G>A]CAAAGATGATGGTCGCTGTGAATGCAGAGAAGGCTTTGTGGGAAATCGCTGTGACCAGTG-3'
Protein context (NP_002284.3, residues 985-1005): CHPEGSLSLQ[Cys995Tyr]KDDGRCECRE